The following is an entry in ClinVar:

NM_022124.6(CDH23):c.3226G>C (p.Gly1076Arg)

Genes: C10orf105 (chromosome 10 open reading frame 105; minus strand), CDH23 (cadherin related 23; plus strand). Cytogenetic location: 10q22.1.
Variant type: single nucleotide variant.
Coding change: c.3226G>C on transcript NM_022124.6 (MANE Select); coding-DNA position 3226, G replaced by C.
Protein change: p.Gly1076Arg; replaces glycine 1076 with arginine.
Molecular consequence: missense variant. On other transcripts: 3 prime UTR variant (2).
Genome position (GRCh38, 1-based): chr10:71,712,670, G>C. VCF-style: chr10-71712670-G-C. GRCh37 (hg19) VCF-style: chr10-73472427-G-C.
Other names: c.*3266C>G (NM_001164375.3, NM_001168390.2); c.3226G>C, p.Gly1076Arg (NM_001171930.2); c.3226G>C (NM_022124.5); short protein forms G1076R.
Identifiers: ClinVar variation 1013285 (VCV001013285.41), dbSNP rs1368702540, ClinGen allele CA377143965.
Genomic context (GRCh38, chr10:71,712,670, plus strand): 5'-AGTGTGCCCCTCTCTCAGGCAGCTGCTAACACCTGTCTTCCTTCAACTCCCACAGACAAC[G>C]GCCCTGTAGGGAAGCGACACACGGGCACAGCCACCGTGTTCGTCACTGTCCTGGATGTGA-3'
Protein context (NP_071407.4, residues 1066-1086): YMLILEAIDN[Gly1076Arg]PVGKRHTGTA

ClinVar aggregate classification (germline): Uncertain significance. Review status: criteria provided, multiple submitters, no conflicts (2 of 4 stars). 5 submissions from 5 submitters: Uncertain significance (5). Last evaluated 2026-01-14.

Conditions:
Inborn genetic diseases. Identifiers: MedGen C0950123, MeSH D030342.
Usher syndrome type 1D (USH1D). Also called: USHER SYNDROME, TYPE ID. Identifiers: Orphanet 231169, Orphanet 886, MedGen C1832845, MONDO:0010984, OMIM 601067.

Allele frequency attached by ClinVar (database versions not stated): TOPMed 0.00002.
gnomAD v4.1: 3 of 1,613,362 alleles (0.00019%); highest among the groups gnomAD compares: Non-Finnish European, 0.00025%; no homozygotes.

Submissions (5):

Ambry Genetics
Classification: Uncertain significance for Inborn genetic diseases. Last evaluated: 2026-01-14. Review status: criteria provided, single submitter. Criteria: Ambry Variant Classification Scheme 2023. Collection method: clinical testing. Allele origin: germline.

Pittsburgh Clinical Genomics Laboratory, University of Pittsburgh Medical Center
Classification: Uncertain significance for Usher syndrome type 1D. Last evaluated: 2024-02-09. Review status: criteria provided, single submitter. Criteria: ACMG Guidelines, 2015. Collection method: clinical testing. Allele origin: germline. Inheritance: Autosomal unknown. Affected: yes.
Comment: This sequence variant is a single nucleotide substitution (G>C) at position 3226 of the coding sequence of the CDH23 gene that results in a glycine to arginine amino acid change at residue 1076 of the cadherin related 23 protein. This residue falls in the extracellular cadherin 10 domain of the protein (UniProt). This is a previously reported variant (ClinVar 1013285) that has not been observed in the literature in individuals affected by CDH23-related disease, to our knowledge. This variant is present in 3 of 1613362 alleles (0.0001859%) in the gnomAD v4.0.0 population dataset. Multiple bioinformatic tools predict that this amino acid change would be neutral, and the Gly1076 residue at this position is highly conserved across the vertebrate species examined. Studies examining the functional consequence of this variant have not been performed, to our knowledge. At this time, there is insufficient evidence to determine if this variant is pathogenic or benign. Therefore, we consider this a variant of uncertain significance. ACMG Criteria: BP4, PM2, PM3

Labcorp Genetics (formerly Invitae), Labcorp
Classification: Uncertain significance. Last evaluated: 2022-03-24. Review status: criteria provided, single submitter. Criteria: Invitae Variant Classification Sherloc (09022015). Collection method: clinical testing. Allele origin: germline.
Comment: This sequence change replaces glycine, which is neutral and non-polar, with arginine, which is basic and polar, at codon 1076 of the CDH23 protein (p.Gly1076Arg). This variant is present in population databases (no rsID available, gnomAD 0.007%). This missense change has been observed in individual(s) with deafness (Invitae). ClinVar contains an entry for this variant (Variation ID: 1013285). Algorithms developed to predict the effect of missense changes on protein structure and function are either unavailable or do not agree on the potential impact of this missense change (SIFT: "Deleterious"; PolyPhen-2: "Not Available"; Align-GVGD: "Class C65"). In summary, the available evidence is currently insufficient to determine the role of this variant in disease. Therefore, it has been classified as a Variant of Uncertain Significance.

CeGaT Center for Human Genetics Tuebingen
Classification: Uncertain significance. Last evaluated: 2020-12-01. Review status: criteria provided, single submitter. Criteria: CeGaT Center For Human Genetics Tuebingen Variant Classification Criteria Version 2. Collection method: clinical testing. Allele origin: germline. Affected: yes. Observed: 1 variant allele.

Blueprint Genetics
Classification: Uncertain significance. Last evaluated: 2020-07-06. Review status: criteria provided, single submitter. Criteria: ACMG Guidelines, 2015. Collection method: clinical testing. Allele origin: germline.